The following is an entry in ClinVar:

ClinVar aggregate classification (germline): Conflicting classifications of pathogenicity. Review status: criteria provided, conflicting classifications (1 of 4 stars). 5 submissions from 5 submitters: Uncertain significance (1); Benign (1); Likely benign (1). 2 of the submissions do not count toward it. Last evaluated 2026-01-20.

Conditions:
HSD17B4-related disorder. Also called: HSD17B4-related condition; HSD17B4-related disorders.
Bifunctional peroxisomal enzyme deficiency (DBIF). Also called: D-bifunctional protein deficiency; DBP DEFICIENCY; PBFE DEFICIENCY. Identifiers: Orphanet 300, MedGen C0342870, MONDO:0009855, OMIM 261515. Disease mechanism: loss of function.
Perrault syndrome. Also called: Gonadal dysgenesis with auditory dysfunction, autosomal recessive inheritance. Identifiers: Orphanet 2855, MedGen C0685838, MONDO:0017312.

Allele frequency attached by ClinVar (database versions not stated): gnomAD exomes 0.00030; ExAC 0.00034; 1000 Genomes Project 0.00060; 1000 Genomes Project 30x 0.00094; ESP Exome Variant Server 0.00138; TOPMed 0.00142.

Submissions (5):

Labcorp Genetics (formerly Invitae), Labcorp
Classification: Likely benign for Perrault syndrome; Bifunctional peroxisomal enzyme deficiency. Last evaluated: 2026-01-20. Review status: criteria provided, single submitter. Criteria: Invitae Variant Classification Sherloc (09022015). Collection method: clinical testing. Allele origin: germline.

GeneDx
Classification: Benign. Last evaluated: 2019-10-21. Review status: criteria provided, single submitter. Criteria: GeneDx Variant Classification Process June 2021. Collection method: clinical testing. Allele origin: germline. Affected: yes.
Comment: This variant is associated with the following publications: (PMID: 28649525)

Eurofins Ntd Llc (ga)
Classification: Uncertain significance. Last evaluated: 2017-11-09. Review status: criteria provided, single submitter. Criteria: EGL Classification Definitions 2015. Collection method: clinical testing. Allele origin: germline. Observed: 4 variant alleles, 4 heterozygotes.

PreventionGenetics, part of Exact Sciences
Classification: Likely benign for HSD17B4-related condition. Last evaluated: 2022-02-03. Review status: no assertion criteria provided. Collection method: clinical testing. Allele origin: germline. Not counted in ClinVar's aggregate classification.
Comment: This variant is classified as likely benign based on ACMG/AMP sequence variant interpretation guidelines (Richards et al. 2015 PMID: 25741868, with internal and published modifications).

Natera, Inc.
Classification: Likely benign for Bifunctional peroxisomal enzyme deficiency. Last evaluated: 2020-01-24. Review status: no assertion criteria provided. Collection method: clinical testing. Allele origin: germline. Not counted in ClinVar's aggregate classification.

NM_000414.4(HSD17B4):c.1670A>T (p.Lys557Met)

Gene: HSD17B4 (hydroxysteroid 17-beta dehydrogenase 4; plus strand). Cytogenetic location: 5q23.1.
Variant type: single nucleotide variant.
Coding change: c.1670A>T on transcript NM_000414.4 (MANE Select); coding-DNA position 1670, A replaced by T.
Protein change: p.Lys557Met; replaces lysine 557 with methionine.
Molecular consequence: missense variant.
Genome position (GRCh38, 1-based): chr5:119,526,013, A>T. VCF-style: chr5-119526013-A-T. GRCh37 (hg19) VCF-style: chr5-118861708-A-T.
Other names: c.1745A>T, p.Lys582Met (NM_001199291.3); c.1616A>T, p.Lys539Met (NM_001199292.2); c.1598A>T, p.Lys533Met (NM_001292027.2); c.1250A>T, p.Lys417Met (NM_001292028.2); short protein forms K557M, K582M, K533M, K417M, K539M.
Identifiers: ClinVar variation 286628 (VCV000286628.21), dbSNP rs73790880, ClinGen allele CA3382347.